The following is an entry in ClinVar:

NM_002354.3(EPCAM):c.473A>G (p.Asp158Gly)

Gene: EPCAM (epithelial cell adhesion molecule; plus strand). Cytogenetic location: 2p21.
Variant type: single nucleotide variant.
Coding change: c.473A>G on transcript NM_002354.3 (MANE Select); coding-DNA position 473, A replaced by G.
Protein change: p.Asp158Gly; replaces aspartic acid 158 with glycine.
Molecular consequence: missense variant.
Genome position (GRCh38, 1-based): chr2:47,375,281, A>G. VCF-style: chr2-47375281-A-G. GRCh37 (hg19) VCF-style: chr2-47602420-A-G.
Other names: short protein forms D158G.
Identifiers: ClinVar variation 2624801 (VCV002624801.2), dbSNP rs1671393626, ClinGen allele CA346723633.

ClinVar aggregate classification (germline): Uncertain significance (1 of 4 stars; one submission).

Conditions:
Hereditary cancer-predisposing syndrome. Also called: Tumor predisposition; Hereditary Cancer Syndrome; Hereditary neoplastic syndrome; Neoplastic Syndromes, Hereditary. Identifiers: Orphanet 140162, MedGen C0027672, MeSH D009386, MONDO:0015356.

Allele frequency attached by ClinVar (database versions not stated): TOPMed below 0.00001.

Submission:

Ambry Genetics
Classification: Uncertain significance for Hereditary cancer-predisposing syndrome. Last evaluated: 2023-08-26. Review status: criteria provided, single submitter. Criteria: Ambry Variant Classification Scheme 2023. Collection method: clinical testing. Allele origin: germline.
Comment: The p.D158G variant (also known as c.473A>G), located in coding exon 4 of the EPCAM gene, results from an A to G substitution at nucleotide position 473. The aspartic acid at codon 158 is replaced by glycine, an amino acid with similar properties. This amino acid position is conserved. In addition, this alteration is predicted to be tolerated by in silico analysis. Since supporting evidence is limited at this time, the clinical significance of this alteration remains unclear.